The following is an entry in ClinVar:

ClinVar aggregate classification (germline): Uncertain significance (1 of 4 stars; one submission).

Conditions:
Beckwith-Wiedemann syndrome (BWS). Also called: Exomphalos macroglossia gigantism syndrome; EMG SYNDROME. Identifiers: Orphanet 116, MedGen C0004903, MONDO:0007534, OMIM 130650.

Submission:

Labcorp Genetics (formerly Invitae), Labcorp
Classification: Uncertain significance for Beckwith-Wiedemann syndrome. Last evaluated: 2023-02-14. Review status: criteria provided, single submitter. Criteria: Invitae Variant Classification Sherloc (09022015). Collection method: clinical testing. Allele origin: germline.
Comment: This sequence change replaces alanine, which is neutral and non-polar, with proline, which is neutral and non-polar, at codon 166 of the CDKN1C protein (p.Ala166Pro). The frequency data for this variant in the population databases is considered unreliable, as metrics indicate insufficient coverage at this position in the gnomAD database. This variant has not been reported in the literature in individuals affected with CDKN1C-related conditions. ClinVar contains an entry for this variant (Variation ID: 1003327). Advanced modeling of protein sequence and biophysical properties (such as structural, functional, and spatial information, amino acid conservation, physicochemical variation, residue mobility, and thermodynamic stability) performed at Invitae indicates that this missense variant is not expected to disrupt CDKN1C protein function. In summary, the available evidence is currently insufficient to determine the role of this variant in disease. Therefore, it has been classified as a Variant of Uncertain Significance.

NM_001122630.2(CDKN1C):c.463G>C (p.Ala155Pro)

Gene: CDKN1C (cyclin dependent kinase inhibitor 1C; minus strand). Cytogenetic location: 11p15.4.
Variant type: single nucleotide variant.
Coding change: c.463G>C on transcript NM_001122630.2 (MANE Select); coding-DNA position 463, G replaced by C.
Protein change: p.Ala155Pro; replaces alanine 155 with proline.
Molecular consequence: missense variant. On other transcripts: intron variant (1).
Genome position (GRCh38, 1-based): chr11:2,884,994, C>G on the plus strand (G>C on the coding strand, the complement: CDKN1C is on the minus strand). VCF-style: chr11-2884994-C-G. GRCh37 (hg19) VCF-style: chr11-2906224-C-G.
Other names: c.496G>C, p.Ala166Pro (NM_000076.2, NM_001362474.2); c.463G>C, p.Ala155Pro (NM_001122631.2); c.255+208G>C (NM_001362475.2); short protein forms A155P, A166P.
Identifiers: ClinVar variation 1003327 (VCV001003327.8), dbSNP rs1419349248, ClinGen allele CA379146587.